The following is an entry in ClinVar:

ClinVar aggregate classification (germline): Uncertain significance (1 of 4 stars; one submission).

Conditions:
Brugada syndrome 7 (BRGDA7). Identifiers: Orphanet 130, MedGen C2751088, MONDO:0013146, OMIM 613120.

Allele frequency attached by ClinVar (database versions not stated): TOPMed below 0.00001; ExAC 0.00001; gnomAD 0.00001; gnomAD exomes 0.00001; 1000 Genomes Project 30x 0.00016; 1000 Genomes Project 0.00020.

Submission:

Labcorp Genetics (formerly Invitae), Labcorp
Classification: Uncertain significance for Brugada syndrome 7. Last evaluated: 2022-09-20. Review status: criteria provided, single submitter. Criteria: Invitae Variant Classification Sherloc (09022015). Collection method: clinical testing. Allele origin: germline.
Comment: In summary, the available evidence is currently insufficient to determine the role of this variant in disease. Therefore, it has been classified as a Variant of Uncertain Significance. Algorithms developed to predict the effect of missense changes on protein structure and function (SIFT, PolyPhen-2, Align-GVGD) all suggest that this variant is likely to be tolerated. This variant has not been reported in the literature in individuals affected with SCN3B-related conditions. This variant is present in population databases (rs548044819, gnomAD 0.003%). This sequence change replaces threonine, which is neutral and polar, with alanine, which is neutral and non-polar, at codon 146 of the SCN3B protein (p.Thr146Ala).

NM_001040151.2(SCN3B):c.436A>G (p.Thr146Ala)

Gene: SCN3B (sodium voltage-gated channel beta subunit 3; minus strand). Cytogenetic location: 11q24.1.
Variant type: single nucleotide variant.
Coding change: c.436A>G on transcript NM_001040151.2 (MANE Select); coding-DNA position 436, A replaced by G.
Protein change: p.Thr146Ala; replaces threonine 146 with alanine.
Molecular consequence: missense variant.
Genome position (GRCh38, 1-based): chr11:123,642,455, T>C on the plus strand (A>G on the coding strand, the complement: SCN3B is on the minus strand). VCF-style: chr11-123642455-T-C. GRCh37 (hg19) VCF-style: chr11-123513163-T-C.
Other names: c.436A>G, p.Thr146Ala (NM_018400.4); short protein forms T146A.
Identifiers: ClinVar variation 1899279 (VCV001899279.5), dbSNP rs548044819, ClinGen allele CA6334018.